The following is an entry in ClinVar:

ClinVar aggregate classification (germline): Uncertain significance (1 of 4 stars; one submission).

Conditions:
Cutis laxa, autosomal dominant 3 (ADCL3). Identifiers: Orphanet 90348, MedGen C4225268, MONDO:0014706, OMIM 616603.
Autosomal dominant spastic paraplegia type 9. Identifiers: MedGen C1832669, MONDO:0015091.
de Barsy syndrome. Also called: Cutis laxa-corneal clouding-oligophrenia syndrome. Identifiers: Orphanet 2962, MedGen C0268354, MONDO:0017569.

Allele frequency attached by ClinVar (database versions not stated): TOPMed below 0.00001.
gnomAD v4.1: 4 of 1,614,172 alleles (0.00025%); highest among the groups gnomAD compares: Middle Eastern, 0.017%; no homozygotes.

Submission:

Labcorp Genetics (formerly Invitae), Labcorp
Classification: Uncertain significance for Autosomal dominant spastic paraplegia type 9; de Barsy syndrome; Cutis laxa, autosomal dominant 3. Last evaluated: 2021-06-19. Review status: criteria provided, single submitter. Criteria: Invitae Variant Classification Sherloc (09022015). Collection method: clinical testing. Allele origin: germline.
Comment: In summary, the available evidence is currently insufficient to determine the role of this variant in disease. Therefore, it has been classified as a Variant of Uncertain Significance. Algorithms developed to predict the effect of missense changes on protein structure and function (SIFT, PolyPhen-2, Align-GVGD) all suggest that this variant is likely to be disruptive, but these predictions have not been confirmed by published functional studies and their clinical significance is uncertain. This variant has not been reported in the literature in individuals with ALDH18A1-related conditions. This variant is not present in population databases (ExAC no frequency). This sequence change replaces alanine with proline at codon 646 of the ALDH18A1 protein (p.Ala646Pro). The alanine residue is highly conserved and there is a small physicochemical difference between alanine and proline.

NM_002860.4(ALDH18A1):c.1936G>C (p.Ala646Pro)

Gene: ALDH18A1 (aldehyde dehydrogenase 18 family member A1; minus strand). Cytogenetic location: 10q24.1.
Variant type: single nucleotide variant.
Coding change: c.1936G>C on transcript NM_002860.4 (MANE Select); coding-DNA position 1936, G replaced by C.
Protein change: p.Ala646Pro; replaces alanine 646 with proline.
Molecular consequence: missense variant.
Genome position (GRCh38, 1-based): chr10:95,611,430, C>G on the plus strand (G>C on the coding strand, the complement: ALDH18A1 is on the minus strand). VCF-style: chr10-95611430-C-G. GRCh37 (hg19) VCF-style: chr10-97371187-C-G.
Other names: c.1930G>C, p.Ala644Pro (NM_001017423.2, NM_001323415.2); c.1603G>C, p.Ala535Pro (NM_001323412.2, NM_001323416.2); c.1936G>C, p.Ala646Pro (NM_001323413.2, NM_001323414.2); c.1831G>C, p.Ala611Pro (NM_001323417.2); c.1597G>C, p.Ala533Pro (NM_001323418.2); c.1300G>C, p.Ala434Pro (NM_001323419.2); short protein forms A434P, A611P, A644P, A533P, A535P, A646P.
Identifiers: ClinVar variation 1380323 (VCV001380323.8), dbSNP rs2097834259, ClinGen allele CA377700159.